The following is an entry in ClinVar:

NM_001083961.2(WDR62):c.2215G>A (p.Val739Met)

Gene: WDR62 (WD repeat domain 62; plus strand). Cytogenetic location: 19q13.12.
Variant type: single nucleotide variant.
Coding change: c.2215G>A on transcript NM_001083961.2 (MANE Select); coding-DNA position 2215, G replaced by A.
Protein change: p.Val739Met; replaces valine 739 with methionine.
Molecular consequence: missense variant.
Genome position (GRCh38, 1-based): chr19:36,092,693, G>A. VCF-style: chr19-36092693-G-A. GRCh37 (hg19) VCF-style: chr19-36583595-G-A.
Other names: p.Val739Met; c.2200G>A, p.Val734Met (NM_001411145.1); c.2215G>A, p.Val739Met (NM_001411146.1, NM_173636.5); c.1864G>A, p.Val622Met (NM_001411147.1); short protein forms V622M, V739M, V734M.
Identifiers: ClinVar variation 3469536 (VCV003469536.2).
Genomic context (GRCh38, chr19:36,092,693, plus strand): 5'-GCGGCTCCCATGCTTACTCTTCCTCTGCCTTGTGTGTCTCTCTTTGACCTCCGCAGCTGC[G>A]TGTTCATCTGGCACCTGGGCCCGGAGATCACCAACTGCATGAAGCAGCACTTGCTGGAGA-3'
Protein context (NP_001077430.1, residues 729-749): HLITVSGDSC[Val739Met]FIWHLGPEIT

ClinVar aggregate classification (germline): Uncertain significance. Review status: criteria provided, multiple submitters, no conflicts (2 of 4 stars). 2 submissions from 2 submitters: Uncertain significance (2). Last evaluated 2025-11-02.

Conditions:
Inborn genetic diseases. Identifiers: MedGen C0950123, MeSH D030342.

gnomAD v4.1: 34 of 1,614,018 alleles (0.0021%); highest among the groups gnomAD compares: African/African-American, 0.0093%; no homozygotes.

Submissions (2):

Mayo Clinic Laboratories, Mayo Clinic
Classification: Uncertain significance. Last evaluated: 2025-11-02. Review status: criteria provided, single submitter. Criteria: ACMG Guidelines, 2015. Collection method: clinical testing. Allele origin: germline. Observed: 1 variant allele.
Comment: PM2_supporting

Ambry Genetics
Classification: Uncertain significance for Inborn genetic diseases. Last evaluated: 2024-09-09. Review status: criteria provided, single submitter. Criteria: Ambry Variant Classification Scheme 2023. Collection method: clinical testing. Allele origin: germline.